The following is an entry in ClinVar:

ClinVar aggregate classification (germline): Uncertain significance (1 of 4 stars; one submission).

Conditions:
Postaxial polydactyly-anterior pituitary anomalies-facial dysmorphism syndrome. Also called: Culler-Jones syndrome. Identifiers: Orphanet 420584, MedGen C4014479, MONDO:0014369, OMIM 615849.
Holoprosencephaly 9 (HPE9). Also called: PITUITARY ANOMALIES WITH HOLOPROSENCEPHALY-LIKE FEATURES; HOLOPROSENCEPHALY WITH MICROPHTHALMIA AND FIRST BRANCHIAL ARCH ANOMALIES. Identifiers: Orphanet 2162, MedGen C1835819, MONDO:0012563, OMIM 610829.

Allele frequency attached by ClinVar (database versions not stated): ExAC 0.00001; gnomAD 0.00001; gnomAD exomes 0.00001; TOPMed 0.00004.
gnomAD v4.1: 6 of 1,573,038 alleles (0.00038%); highest among the groups gnomAD compares: African/African-American, 0.0069%; no homozygotes.

Submission:

Labcorp Genetics (formerly Invitae), Labcorp
Classification: Uncertain significance for Postaxial polydactyly-anterior pituitary anomalies-facial dysmorphism syndrome; Holoprosencephaly 9. Last evaluated: 2022-04-04. Review status: criteria provided, single submitter. Criteria: Invitae Variant Classification Sherloc (09022015). Collection method: clinical testing. Allele origin: germline.
Comment: Algorithms developed to predict the effect of missense changes on protein structure and function are either unavailable or do not agree on the potential impact of this missense change (SIFT: "Tolerated"; PolyPhen-2: "Possibly Damaging"; Align-GVGD: "Class C0"). In summary, the available evidence is currently insufficient to determine the role of this variant in disease. Therefore, it has been classified as a Variant of Uncertain Significance. This sequence change replaces glycine, which is neutral and non-polar, with glutamic acid, which is acidic and polar, at codon 781 of the GLI2 protein (p.Gly781Glu). This variant is present in population databases (rs766544216, gnomAD 0.02%). This variant has not been reported in the literature in individuals affected with GLI2-related conditions.

NM_001374353.1(GLI2):c.2291G>A (p.Gly764Glu)

Gene: GLI2 (GLI family zinc finger 2; plus strand). Cytogenetic location: 2q14.2.
Variant type: single nucleotide variant.
Coding change: c.2291G>A on transcript NM_001374353.1 (MANE Select); coding-DNA position 2291, G replaced by A.
Protein change: p.Gly764Glu; replaces glycine 764 with glutamic acid.
Molecular consequence: missense variant.
Genome position (GRCh38, 1-based): chr2:120,988,256, G>A. VCF-style: chr2-120988256-G-A. GRCh37 (hg19) VCF-style: chr2-121745832-G-A.
Other names: c.2342G>A, p.Gly781Glu (NM_001371271.1, NM_005270.5); c.1916G>A, p.Gly639Glu (NM_001374354.1); short protein forms G781E, G639E, G764E.
Identifiers: ClinVar variation 2065775 (VCV002065775.4), dbSNP rs766544216, ClinGen allele CA1852205.